The following is an entry in ClinVar:

NM_000059.4(BRCA2):c.6155C>T (p.Ser2052Leu)

Gene: BRCA2 (BRCA2 DNA repair associated; plus strand). Cytogenetic location: 13q13.1.
Variant type: single nucleotide variant.
Coding change: c.6155C>T on transcript NM_000059.4 (MANE Select); coding-DNA position 6155, C replaced by T.
Protein change: p.Ser2052Leu; replaces serine 2052 with leucine.
Molecular consequence: missense variant. On other transcripts: non-coding transcript variant (1), intron variant (2).
Genome position (GRCh38, 1-based): chr13:32,340,510, C>T. VCF-style: chr13-32340510-C-T. GRCh37 (hg19) VCF-style: chr13-32914647-C-T.
Other names: c.6155C>T, p.Ser2052Leu (NM_001406719.1, NM_001406720.1); c.1910-4048C>T (NM_001406721.1); c.425-4048C>T (NM_001406722.1); short protein forms S2052L.
Identifiers: ClinVar variation 3008553 (VCV003008553.3), dbSNP rs786202461, ClinGen allele CA387788305.

ClinVar aggregate classification (germline): Uncertain significance (1 of 4 stars; one submission).

Conditions:
Hereditary breast ovarian cancer syndrome. Also called: BRCA1- and BRCA2-Associated Hereditary Breast and Ovarian Cancer; Hereditary breast and ovarian cancer syndrome (HBOC); Hereditary breast and/or ovarian cancer syndrome; Hereditary breast and ovarian cancer syndrome; Breast and ovarian cancer; Hereditary breast and ovarian cancer. Identifiers: Orphanet 145, MedGen C0677776, MeSH D061325, MONDO:0003582. Disease mechanism: loss of function.

Submission:

Labcorp Genetics (formerly Invitae), Labcorp
Classification: Uncertain significance for Hereditary breast ovarian cancer syndrome. Last evaluated: 2024-10-28. Review status: criteria provided, single submitter. Criteria: Invitae Variant Classification Sherloc (09022015). Collection method: clinical testing. Allele origin: germline.
Comment: This sequence change replaces serine, which is neutral and polar, with leucine, which is neutral and non-polar, at codon 2052 of the BRCA2 protein (p.Ser2052Leu). This variant is not present in population databases (gnomAD no frequency). This missense change has been observed in individual(s) with BRCA2-related conditions (PMID: 21203900). Invitae Evidence Modeling of protein sequence and biophysical properties (such as structural, functional, and spatial information, amino acid conservation, physicochemical variation, residue mobility, and thermodynamic stability) indicates that this missense variant is not expected to disrupt BRCA2 protein function with a negative predictive value of 95%. In summary, the available evidence is currently insufficient to determine the role of this variant in disease. Therefore, it has been classified as a Variant of Uncertain Significance.

Literature cited by the submitters: PubMed 21203900.